The following is an entry in ClinVar:

NM_000548.5(TSC2):c.49A>T (p.Ile17Phe)

Gene: TSC2 (TSC complex subunit 2; plus strand). Cytogenetic location: 16p13.3.
Variant type: single nucleotide variant.
Coding change: c.49A>T on transcript NM_000548.5 (MANE Select); coding-DNA position 49, A replaced by T.
Protein change: p.Ile17Phe; replaces isoleucine 17 with phenylalanine.
Molecular consequence: missense variant. On other transcripts: non-coding transcript variant (5), intron variant (6), 5 prime UTR variant (19).
Genome position (GRCh38, 1-based): chr16:2,048,664, A>T. VCF-style: chr16-2048664-A-T. GRCh37 (hg19) VCF-style: chr16-2098665-A-T.
Other names: c.49A>T, p.Ile17Phe (NM_001406668.1, NM_001406670.1, NM_001406671.1 and 13 more transcripts); c.-10+599A>T (NM_001406677.1, NM_001406675.1, NM_001406676.1 and 2 more transcripts); c.-89+599A>T (NM_001406686.1); c.-768A>T (NM_001406680.1, NM_001406683.1, NM_001406687.1); c.-397A>T (NM_001406681.1); c.-178A>T (NM_001406682.1, NM_001406684.1, NM_001406685.1 and 2 more transcripts); c.-1383A>T (NM_001406689.1, NM_001406690.1, NM_001406691.1 and 2 more transcripts); c.-1689A>T (NM_001406693.1); and 4 more; short protein forms I17F, I28F.
Identifiers: ClinVar variation 2713806 (VCV002713806.3), dbSNP rs1274194851, ClinGen allele CA394301032.

ClinVar aggregate classification (germline): Uncertain significance (1 of 4 stars; one submission).

Conditions:
Tuberous sclerosis 2 (TSC2). Identifiers: Orphanet 805, MedGen C1860707, MONDO:0013199, OMIM 613254.

Submission:

Labcorp Genetics (formerly Invitae), Labcorp
Classification: Uncertain significance for Tuberous sclerosis 2. Last evaluated: 2024-10-27. Review status: criteria provided, single submitter. Criteria: Invitae Variant Classification Sherloc (09022015). Collection method: clinical testing. Allele origin: germline.
Comment: This sequence change replaces isoleucine, which is neutral and non-polar, with phenylalanine, which is neutral and non-polar, at codon 17 of the TSC2 protein (p.Ile17Phe). This variant is not present in population databases (gnomAD no frequency). This variant has not been reported in the literature in individuals affected with TSC2-related conditions. Invitae Evidence Modeling of protein sequence and biophysical properties (such as structural, functional, and spatial information, amino acid conservation, physicochemical variation, residue mobility, and thermodynamic stability) indicates that this missense variant is not expected to disrupt TSC2 protein function with a negative predictive value of 95%. In summary, the available evidence is currently insufficient to determine the role of this variant in disease. Therefore, it has been classified as a Variant of Uncertain Significance.